The following is an entry in ClinVar:

NM_004360.5(CDH1):c.2482_2484dup (p.Asp828_Ser829insAsp)

Gene: CDH1 (cadherin 1; plus strand). Cytogenetic location: 16q22.1.
Variant type: Duplication.
Coding change: c.2482_2484dup on transcript NM_004360.5 (MANE Select); coding-DNA positions 2482 to 2484, 3 bases duplicated (GAT; older notation c.2482_2484dupGAT).
Protein change: p.Asp828_Ser829insAsp.
Molecular consequence: inframe insertion. On other transcripts: inframe indel (1).
Genome position (GRCh38, 1-based): chr16:68,833,332-68,833,334, GAT duplicated; duplicating any 3 consecutive bases within chr16:68,833,330-68,833,334 gives the same sequence; the c. name uses the placement nearest the transcript's 3' end. VCF-style (leftmost placement, unchanged base first): chr16-68833329-T-TATG. GRCh37 (hg19) VCF-style: chr16-68867232-T-TATG.
Other names: c.2299_2301dup, p.Asp767_Ser768insAsp (NM_001317184.2); c.934_936dup, p.Asp312_Ser313insAsp (NM_001317185.2); c.517_519dup, p.Asp173_Ser174insAsp (NM_001317186.2); c.2482_2484dupGAT (NM_004360.3).
Identifiers: ClinVar variation 3265142 (VCV003265142.1).

ClinVar aggregate classification (germline): Uncertain significance (1 of 4 stars; one submission).

Conditions:
Hereditary cancer-predisposing syndrome. Also called: Hereditary Cancer Syndrome; Tumor predisposition; Hereditary neoplastic syndrome; Neoplastic Syndromes, Hereditary. Identifiers: Orphanet 140162, MedGen C0027672, MeSH D009386, MONDO:0015356.

Submission:

Ambry Genetics
Classification: Uncertain significance for Hereditary cancer-predisposing syndrome. Last evaluated: 2024-05-21. Review status: criteria provided, single submitter. Criteria: Ambry Variant Classification Scheme 2023. Collection method: clinical testing. Allele origin: germline.
Comment: The c.2482_2484dupGAT variant (also known as p.D828dup), located in coding exon 16 of the CDH1 gene, results from an in-frame duplication of GAT at nucleotide positions 2482 to 2484. This results in the duplication of an extra residue between codons 828 and 829. This amino acid position is highly conserved in available vertebrate species. In addition, this alteration is predicted to be deleterious by in silico analysis (Choi Y et al. PLoS ONE. 2012; 7(10):e46688). Based on the available evidence, the clinical significance of this variant remains unclear.